The following is an entry in ClinVar:

NM_000059.4(BRCA2):c.-38C>T

Gene: BRCA2 (BRCA2 DNA repair associated; plus strand). Cytogenetic location: 13q13.1.
Variant type: single nucleotide variant.
Coding change: c.-38C>T on transcript NM_000059.4 (MANE Select); 38 bases upstream of the start codon, C replaced by T.
Molecular consequence: 5 prime UTR variant.
Genome position (GRCh38, 1-based): chr13:32,316,423, C>T. VCF-style: chr13-32316423-C-T. GRCh37 (hg19) VCF-style: chr13-32890560-C-T.
Identifiers: ClinVar variation 1002811 (VCV001002811.9), dbSNP rs2072259699, ClinGen allele CA2082775263.

ClinVar aggregate classification (germline): Uncertain significance (1 of 4 stars; one submission).

Conditions:
Hereditary breast ovarian cancer syndrome. Also called: Hereditary breast and/or ovarian cancer syndrome; Hereditary breast and ovarian cancer syndrome; Hereditary breast and ovarian cancer syndrome (HBOC); Breast and ovarian cancer; BRCA1- and BRCA2-Associated Hereditary Breast and Ovarian Cancer; Hereditary breast and ovarian cancer. Identifiers: Orphanet 145, MedGen C0677776, MeSH D061325, MONDO:0003582. Disease mechanism: loss of function.

Submission:

Labcorp Genetics (formerly Invitae), Labcorp
Classification: Uncertain significance for Hereditary breast ovarian cancer syndrome. Last evaluated: 2023-03-29. Review status: criteria provided, single submitter. Criteria: Invitae Variant Classification Sherloc (09022015). Collection method: clinical testing. Allele origin: germline.
Comment: In summary, the available evidence is currently insufficient to determine the role of this variant in disease. Therefore, it has been classified as a Variant of Uncertain Significance. Experimental studies and prediction algorithms are not available or were not evaluated, and the functional significance of this variant is currently unknown. ClinVar contains an entry for this variant (Variation ID: 1002811). This variant has been observed in individual(s) with breast cancer (PMID: 30204945). This variant is not present in population databases (gnomAD no frequency). This variant occurs in a non-coding region of the BRCA2 gene. It does not change the encoded amino acid sequence of the BRCA2 protein.

Literature cited by the submitters: PubMed 30204945.